The following is an entry in ClinVar:

ClinVar aggregate classification (germline): Uncertain significance (1 of 4 stars; one submission).

Conditions:
Cardiovascular phenotype. Identifiers: MedGen CN230736.

Allele frequency attached by ClinVar (database versions not stated): gnomAD exomes below 0.00001.

Submission:

Ambry Genetics
Classification: Uncertain significance for Cardiovascular phenotype. Last evaluated: 2021-09-07. Review status: criteria provided, single submitter. Criteria: Ambry Variant Classification Scheme 2023. Collection method: clinical testing. Allele origin: germline.
Comment: The p.G1043D variant (also known as c.3128G>A), located in coding exon 20 of the SOS2 gene, results from a G to A substitution at nucleotide position 3128. The glycine at codon 1043 is replaced by aspartic acid, an amino acid with similar properties. This amino acid position is conserved. In addition, this alteration is predicted to be tolerated by in silico analysis. Since supporting evidence is limited at this time, the clinical significance of this alteration remains unclear.

NM_006939.4(SOS2):c.3128G>A (p.Gly1043Asp)

Gene: SOS2 (SOS Ras/Rho guanine nucleotide exchange factor 2; minus strand). Cytogenetic location: 14q21.3.
Variant type: single nucleotide variant.
Coding change: c.3128G>A on transcript NM_006939.4 (MANE Select); coding-DNA position 3128, G replaced by A.
Protein change: p.Gly1043Asp; replaces glycine 1043 with aspartic acid.
Molecular consequence: missense variant.
Genome position (GRCh38, 1-based): chr14:50,130,710, C>T on the plus strand (G>A on the coding strand, the complement: SOS2 is on the minus strand). VCF-style: chr14-50130710-C-T. GRCh37 (hg19) VCF-style: chr14-50597428-C-T.
Other names: c.3029G>A, p.Gly1010Asp (NM_001411020.1); short protein forms G1010D, G1043D.
Identifiers: ClinVar variation 1727913 (VCV001727913.2), dbSNP rs748384998, ClinGen allele CA389640928.
Genomic context (GRCh38, chr14:50,130,710, plus strand): 5'-GGTTCTCTTTCTAATGGTGTTGGGTGACCTCGTAAAGTACCTGAGGTAGAGCCATGTCGG[C>T]CTGTGTTAGGCCTTATTCCAGGAGATTTTAAGGAAAAAGTTGATTTCCTAGGCTGAGAAA-3'
Protein context (NP_008870.2, residues 1033-1053): LKSPGIRPNT[Gly1043Asp]RHGSTSGTLR